The following is an entry in ClinVar:

NM_001010892.3(RSPH4A):c.731G>A (p.Arg244His)

Gene: RSPH4A (radial spoke head component 4A; plus strand). Cytogenetic location: 6q22.1.
Variant type: single nucleotide variant.
Coding change: c.731G>A on transcript NM_001010892.3 (MANE Select); coding-DNA position 731, G replaced by A.
Protein change: p.Arg244His; replaces arginine 244 with histidine.
Molecular consequence: missense variant.
Genome position (GRCh38, 1-based): chr6:116,622,812, G>A. VCF-style: chr6-116622812-G-A. GRCh37 (hg19) VCF-style: chr6-116943975-G-A.
Other names: c.731G>A, p.Arg244His (NM_001161664.2); short protein forms R244H.
Identifiers: ClinVar variation 165059 (VCV000165059.52), dbSNP rs41289942, ClinGen allele CA177724.

ClinVar aggregate classification (germline): Benign/Likely benign. Review status: criteria provided, multiple submitters, no conflicts (2 of 4 stars). 10 submissions from 10 submitters: Benign (8); Likely benign (2). Last evaluated 2026-07-01.

Conditions:
Primary ciliary dyskinesia. Also called: Ciliary dyskinesia. Identifiers: Orphanet 244, MedGen C0008780, MONDO:0016575, HP:0012265.
Primary ciliary dyskinesia 11. Also called: CILIARY DYSKINESIA, PRIMARY, 11, WITHOUT SITUS INVERSUS. Identifiers: Orphanet 244, MedGen C2675229, MONDO:0012978, OMIM 612649.

Allele frequency attached by ClinVar (database versions not stated): 1000 Genomes Project 30x 0.01109; 1000 Genomes Project 0.01198; gnomAD 0.01592 and 0.01617; TOPMed 0.01645; ESP Exome Variant Server 0.01684; ExAC 0.01962; gnomAD exomes 0.01998.

Submissions (10):

CeGaT Center for Human Genetics Tuebingen
Classification: Benign. Last evaluated: 2026-07-01. Review status: criteria provided, single submitter. Criteria: CeGaT Center For Human Genetics Tuebingen Variant Classification Criteria Version 2. Collection method: clinical testing. Allele origin: germline. Affected: yes. Observed: 18 variant alleles.
Comment: RSPH4A: BP4, BS1, BS2

Labcorp Genetics (formerly Invitae), Labcorp
Classification: Benign for Primary ciliary dyskinesia. Last evaluated: 2026-02-01. Review status: criteria provided, single submitter. Criteria: Invitae Variant Classification Sherloc (09022015). Collection method: clinical testing. Allele origin: germline.

ARUP Laboratories, Molecular Genetics and Genomics, ARUP Laboratories
Classification: Benign for Primary ciliary dyskinesia 11. Last evaluated: 2025-05-20. Review status: criteria provided, single submitter. Criteria: ARUP Molecular Germline Variant Investigation Process 2024. Collection method: clinical testing. Allele origin: germline.

Mayo Clinic Laboratories, Mayo Clinic
Classification: Benign. Last evaluated: 2023-03-16. Review status: criteria provided, single submitter. Criteria: ACMG Guidelines, 2015. Collection method: clinical testing. Allele origin: germline. Observed: 12 variant alleles.
Comment: BA1

GeneDx
Classification: Benign. Last evaluated: 2020-02-11. Review status: criteria provided, single submitter. Criteria: GeneDx Variant Classification Process June 2021. Collection method: clinical testing. Allele origin: germline. Affected: yes.
Comment: This variant is associated with the following publications: (PMID: 31213628)

Illumina Laboratory Services, Illumina
Classification: Likely benign for Primary ciliary dyskinesia 11. Last evaluated: 2018-01-13. Review status: criteria provided, single submitter. Criteria: ICSL Variant Classification Criteria 13 December 2019. Collection method: clinical testing. Allele origin: germline.
Comment: This variant was observed in the ICSL laboratory as part of a predisposition screen in an ostensibly healthy population. It had not been previously curated by ICSL or reported in the Human Gene Mutation Database (HGMD: prior to June 1st, 2018), and was therefore a candidate for classification through an automated scoring system. Utilizing variant allele frequency, disease prevalence and penetrance estimates, and inheritance mode, an automated score was calculated to assess if this variant is too frequent to cause the disease. Based on the score and internal cut-off values, a variant classified as likely benign is not then subjected to further curation. The score for this variant resulted in a classification of likely benign for this disease.

Ambry Genetics
Classification: Benign for Primary ciliary dyskinesia. Last evaluated: 2014-09-12. Review status: criteria provided, single submitter. Criteria: Ambry Variant Classification Scheme 2023. Collection method: clinical testing. Allele origin: germline.

Laboratory for Molecular Medicine, Mass General Brigham Personalized Medicine
Classification: Benign. Last evaluated: 2013-02-21. Review status: criteria provided, single submitter. Criteria: LMM Criteria. Collection method: clinical testing. Allele origin: germline. Observed: 8 variant alleles.
Comment: Arg244His in exon 2 of RSPH4A: This variant is not expected to have clinical sig nificance because it has been identified in 2.3% (200/8600) of European American chromosomes from a broad population by the NHLBI Exome Sequencing Project (dbSNP rs41289942).

Breakthrough Genomics
Classification: Likely benign. Review status: criteria provided, single submitter. Criteria: ACMG Guidelines, 2015. Collection method: not provided. Allele origin: germline. Inheritance: Autosomal recessive inheritance. Affected: yes.

PreventionGenetics, part of Exact Sciences
Classification: Benign. Review status: criteria provided, single submitter. Criteria: ACMG Guidelines, 2015. Collection method: clinical testing. Allele origin: germline.

Literature cited by the submitters: PubMed 31213628 (cited by Mayo Clinic Laboratories, Mayo Clinic).